The following is an entry in ClinVar:

NM_001148.6(ANK2):c.904C>T (p.Pro302Ser)

Gene: ANK2 (ankyrin 2; plus strand). Cytogenetic location: 4q26.
Variant type: single nucleotide variant.
Coding change: c.904C>T on transcript NM_001148.6 (MANE Select); coding-DNA position 904, C replaced by T.
Protein change: p.Pro302Ser; replaces proline 302 with serine.
Molecular consequence: missense variant.
Genome position (GRCh38, 1-based): chr4:113,249,776, C>T. VCF-style: chr4-113249776-C-T. GRCh37 (hg19) VCF-style: chr4-114170932-C-T.
Other names: c.841C>T, p.Pro281Ser (NM_001127493.3, NM_001354239.2, NM_001354243.2 and 14 more transcripts); c.904C>T, p.Pro302Ser (NM_001354225.2, NM_001354228.2, NM_001354232.2 and 9 more transcripts); c.949C>T, p.Pro317Ser (NM_001354230.2, NM_001354231.2, NM_001354237.2 and 5 more transcripts); c.817C>T, p.Pro273Ser (NM_001354249.2, NM_001354260.2, NM_001354264.2 and 16 more transcripts); c.862C>T, p.Pro288Ser (NM_001354261.2, NM_001386147.1, NM_001386160.1); c.892C>T, p.Pro298Ser (NM_001354269.3, NM_001386148.2, NM_001386186.2); c.955C>T, p.Pro319Ser (NM_001386174.1); c.931C>T, p.Pro311Ser (NM_001386175.1); and 1 more; short protein forms P290S, P298S, P311S, P317S, P281S, P319S, P288S, P273S.
Identifiers: ClinVar variation 5010008 (VCV005010008.1).

ClinVar aggregate classification (germline): Uncertain significance (1 of 4 stars; one submission).

Submission:

GeneDx
Classification: Uncertain significance. Last evaluated: 2026-02-25. Review status: criteria provided, single submitter. Criteria: GeneDx Variant Classification Process June 2021. Collection method: clinical testing. Allele origin: germline.
Comment: Not observed at significant frequency in large population cohorts (gnomAD); In silico analysis supports that this missense variant has a deleterious effect on protein structure/function; Has not been previously published as pathogenic or benign to our knowledge